The following is an entry in ClinVar:

NM_000545.8(HNF1A):c.809A>C (p.Asn270Thr)

Gene: HNF1A (HNF1 homeobox A; plus strand). Cytogenetic location: 12q24.31.
Variant type: single nucleotide variant.
Coding change: c.809A>C on transcript NM_000545.8 (MANE Select); coding-DNA position 809, A replaced by C.
Protein change: p.Asn270Thr; replaces asparagine 270 with threonine.
Molecular consequence: missense variant.
Genome position (GRCh38, 1-based): chr12:120,994,259, A>C. VCF-style: chr12-120994259-A-C. GRCh37 (hg19) VCF-style: chr12-121432062-A-C.
Other names: c.809A>C, p.Asn270Thr (NM_001306179.2, NM_001406915.1); short protein forms N270T.
Identifiers: ClinVar variation 4819062 (VCV004819062.1).
Genomic context (GRCh38, chr12:120,994,259, plus strand): 5'-AGGCACAGGGGCTGGGCTCCAACCTCGTCACGGAGGTGCGTGTCTACAACTGGTTTGCCA[A>C]CCGGCGCAAAGAAGAAGCCTTCCGGCACAAGCTGGCCATGGACACGTACAGCGGGCCCCC-3'
Protein context (NP_000536.6, residues 260-280): TEVRVYNWFA[Asn270Thr]RRKEEAFRHK

ClinVar aggregate classification (germline): Uncertain significance (1 of 4 stars; one submission).

Conditions:
Maturity-onset diabetes of the young type 3. Also called: MODY, type III; MODY type 3. Identifiers: Orphanet 552, MedGen C1838100, MeSH C563933, MONDO:0010894, OMIM 600496. Disease mechanism: loss of function.

Submission:

Victorian Clinical Genetics Services, Murdoch Childrens Research Institute
Classification: Uncertain significance for Maturity-onset diabetes of the young type 3. Last evaluated: 2026-01-21. Review status: criteria provided, single submitter. Criteria: ACMG Guidelines, 2015. Collection method: clinical testing. Allele origin: germline. Affected: yes.
Comment: This variant is classified as VUS-3A. Evidence in support of pathogenic classification: Variant is absent from gnomAD (v2, v3 and v4); Another missense variant comparable to the one identified in this case has limited previous evidence for pathogenicity. p.(Asn270Ser) has been reported in the literature in two individuals with MODY (PMID: 36257325). - Variant is located in the well-established functional DNA binding-region (DECIPHER). This residue is directly involved in binding of DNA (ClinGen Monogenic Diabetes Expert Panel). - Missense variant predicted to be damaging by in silico tool(s) or highly conserved with a major amino acid change. Additional information: Variant is predicted to result in a missense amino acid change from Asn to Thr; This variant is heterozygous; This gene is associated with autosomal dominant disease; This variant has no previous evidence of pathogenicity; No published evidence of segregation with disease has been identified for this variant; No published functional evidence has been identified for this variant; Loss of function is a known mechanism of disease in this gene and is associated with maturity-onset diabetes of the young type III (MIM#600496); Inheritance information for this variant is not currently available in this individual.

Literature cited by the submitters: PubMed 36257325.